The following is an entry in ClinVar:

ClinVar aggregate classification (germline): Uncertain significance (1 of 4 stars; one submission).

Submission:

GeneDx
Classification: Uncertain significance. Last evaluated: 2022-11-23. Review status: criteria provided, single submitter. Criteria: GeneDx Variant Classification Process June 2021. Collection method: clinical testing. Allele origin: germline. Affected: yes.
Comment: Not observed at significant frequency in large population cohorts (gnomAD); In silico analysis supports that this missense variant has a deleterious effect on protein structure/function; Has not been previously published as pathogenic or benign to our knowledge

NM_198407.2(GHSR):c.832C>A (p.Pro278Thr)

Gene: GHSR (growth hormone secretagogue receptor; minus strand). Cytogenetic location: 3q26.31.
Variant type: single nucleotide variant.
Coding change: c.832C>A on transcript NM_198407.2 (MANE Select); coding-DNA position 832, C replaced by A.
Protein change: p.Pro278Thr; replaces proline 278 with threonine.
Molecular consequence: missense variant.
Genome position (GRCh38, 1-based): chr3:172,445,430, G>T on the plus strand (C>A on the coding strand, the complement: GHSR is on the minus strand). VCF-style: chr3-172445430-G-T. GRCh37 (hg19) VCF-style: chr3-172163220-G-T.
Other names: short protein forms P278T.
Identifiers: ClinVar variation 2503200 (VCV002503200.1), dbSNP rs2473554603, ClinGen allele CA355512706.